The following is an entry in ClinVar:

NM_021971.4(GMPPB):c.952-9C>T

Gene: GMPPB (GDP-mannose pyrophosphorylase B; minus strand). Cytogenetic location: 3p21.31.
Variant type: single nucleotide variant.
Coding change: c.952-9C>T on transcript NM_021971.4 (MANE Select); 9 bases into the intron before coding-DNA position 952, C replaced by T.
Molecular consequence: intron variant. On other transcripts: missense variant (1).
Genome position (GRCh38, 1-based): chr3:49,721,892, G>A on the plus strand (C>T on the coding strand, the complement: GMPPB is on the minus strand). VCF-style: chr3-49721892-G-A. GRCh37 (hg19) VCF-style: chr3-49759325-G-A.
Other names: c.1024C>T, p.Leu342Phe (NM_013334.4); short protein forms L342F.
Identifiers: ClinVar variation 3764126 (VCV003764126.1).

ClinVar aggregate classification (germline): Uncertain significance (1 of 4 stars; one submission).

Submission:

GeneDx
Classification: Uncertain significance. Last evaluated: 2024-08-23. Review status: criteria provided, single submitter. Criteria: GeneDx Variant Classification Process June 2021. Collection method: clinical testing. Allele origin: germline. Affected: yes.
Comment: In silico analysis indicates that this missense variant does not alter protein structure/function; Not observed at significant frequency in large population cohorts (gnomAD); Has not been previously published as pathogenic or benign to our knowledge